The following is an entry in ClinVar:

ClinVar aggregate classification (germline): Uncertain significance (1 of 4 stars; one submission).

Conditions:
Microcephaly-intellectual disability-sensorineural hearing loss-epilepsy-abnormal muscle tone syndrome (NEDHSB). Also called: NEURODEVELOPMENTAL DISORDER WITH HEARING LOSS, SEIZURES, AND BRAIN ABNORMALITIES. Identifiers: Orphanet 457351, MedGen C4225276, MONDO:0014698, OMIM 616577.

Allele frequency attached by ClinVar (database versions not stated): gnomAD 0.00001; TOPMed 0.00002.
gnomAD v4.1: 1 of 1,613,802 alleles (0.000062%); highest among the groups gnomAD compares: African/African-American, 0.0013%; no homozygotes.

Submission:

Labcorp Genetics (formerly Invitae), Labcorp
Classification: Uncertain significance for Microcephaly-intellectual disability-sensorineural hearing loss-epilepsy-abnormal muscle tone syndrome. Last evaluated: 2022-09-06. Review status: criteria provided, single submitter. Criteria: Invitae Variant Classification Sherloc (09022015). Collection method: clinical testing. Allele origin: germline.
Comment: In summary, the available evidence is currently insufficient to determine the role of this variant in disease. Therefore, it has been classified as a Variant of Uncertain Significance. Algorithms developed to predict the effect of missense changes on protein structure and function are either unavailable or do not agree on the potential impact of this missense change (SIFT: "Deleterious"; PolyPhen-2: "Possibly Damaging"; Align-GVGD: "Class C0"). ClinVar contains an entry for this variant (Variation ID: 1043540). This variant has not been reported in the literature in individuals affected with SPATA5-related conditions. This variant is not present in population databases (gnomAD no frequency). This sequence change replaces alanine, which is neutral and non-polar, with glycine, which is neutral and non-polar, at codon 781 of the SPATA5 protein (p.Ala781Gly).

NM_145207.3(AFG2A):c.2342C>G (p.Ala781Gly)

Gene: AFG2A (AAA ATPase AFG2A; plus strand). Cytogenetic location: 4q28.1.
Variant type: single nucleotide variant.
Coding change: c.2342C>G on transcript NM_145207.3 (MANE Select); coding-DNA position 2342, C replaced by G.
Protein change: p.Ala781Gly; replaces alanine 781 with glycine.
Molecular consequence: missense variant.
Genome position (GRCh38, 1-based): chr4:123,256,017, C>G. VCF-style: chr4-123256017-C-G. GRCh37 (hg19) VCF-style: chr4-124177172-C-G.
Other names: c.2339C>G, p.Ala780Gly (NM_001345856.2); short protein forms A780G, A781G.
Identifiers: ClinVar variation 1043540 (VCV001043540.4), dbSNP rs1301917892, ClinGen allele CA358230506.